The following is an entry in ClinVar:

ClinVar aggregate classification (germline): Conflicting classifications of pathogenicity. Review status: criteria provided, conflicting classifications (1 of 4 stars). 2 submissions from 2 submitters: Uncertain significance (1); Likely benign (1). Last evaluated 2023-03-23.

Conditions:
Hereditary cancer-predisposing syndrome. Also called: Neoplastic Syndromes, Hereditary; Tumor predisposition; Hereditary neoplastic syndrome; Hereditary Cancer Syndrome. Identifiers: Orphanet 140162, MedGen C0027672, MeSH D009386, MONDO:0015356.

Submissions (2):

University of Washington Department of Laboratory Medicine, University of Washington
Classification: Likely benign for Hereditary cancer-predisposing syndrome. Last evaluated: 2023-03-23. Review status: criteria provided, single submitter. Criteria: Dines et al. (Genet Med. 2020). Collection method: curation. Allele origin: germline.
Comment: Missense variant in a coldspot region where missense variants are very unlikely to be pathogenic (PMID:31911673).

BRCA1 coldspot (exon 11 using historical exon numbering). Reclassification based on statistical prior probability

Color Diagnostics, LLC DBA Color Health
Classification: Uncertain significance for Hereditary cancer-predisposing syndrome. Last evaluated: 2019-04-09. Review status: criteria provided, single submitter. Criteria: ACMG Guidelines, 2015. Collection method: clinical testing. Allele origin: germline.

NM_007294.4(BRCA1):c.3195T>G (p.Asp1065Glu)

Gene: BRCA1 (BRCA1 DNA repair associated; minus strand). Cytogenetic location: 17q21.31.
Variant type: single nucleotide variant.
Coding change: c.3195T>G on transcript NM_007294.4 (MANE Select); coding-DNA position 3195, T replaced by G.
Protein change: p.Asp1065Glu; replaces aspartic acid 1065 with glutamic acid.
Molecular consequence: missense variant. On other transcripts: intron variant (137).
Genome position (GRCh38, 1-based): chr17:43,092,336, A>C on the plus strand (T>G on the coding strand, the complement: BRCA1 is on the minus strand). VCF-style: chr17-43092336-A-C. GRCh37 (hg19) VCF-style: chr17-41244353-A-C.
Other names: c.647-1304T>G (NM_001408454.1, NM_001408456.1, NM_001408410.1 and 11 more transcripts); c.707-1304T>G (NM_001408413.1, NM_001408416.1); c.587-1304T>G (NM_001408476.1, NM_001408474.1); c.710-1304T>G (NM_001408409.1, NM_001408414.1, NM_001408411.1 and 2 more transcripts); c.575-1304T>G (NM_001408493.1, NM_001408490.1, NM_001408491.1); c.455-1304T>G (NM_001408502.1); c.578-1304T>G (NM_001408489.1, NM_001408479.1, NM_001408482.1 and 9 more transcripts); c.662-1304T>G (NM_001408445.1, NM_001408432.1, NM_001408450.1 and 6 more transcripts); and 41 more; short protein forms D1065E, D1018E, D897E, D937E, D938E, D997E, D1023E, D769E.
Identifiers: ClinVar variation 629201 (VCV000629201.6), dbSNP rs1567792553, ClinGen allele CA10595594.
Genomic context (GRCh38, chr17:43,092,336, plus strand): 5'-TCTAAGCATAGCATTCAATTTTGGCCCTCTGTTTCTACCTAGTTCTGCTTGAATGTTTTC[A>C]TCACTGGAACCTATTTCATTAATACTGGAGCCCACTTCATTAGTACTGGAACCTACTTCA-3'
Protein context (NP_009225.1, residues 1055-1075): GSSINEIGSS[Asp1065Glu]ENIQAELGRN